The following is an entry in ClinVar:

ClinVar aggregate classification (germline): Uncertain significance (1 of 4 stars; one submission).

Allele frequency attached by ClinVar (database versions not stated): gnomAD exomes below 0.00001.

Submission:

Ambry Genetics
Classification: Uncertain significance. Last evaluated: 2024-09-30. Review status: criteria provided, single submitter. Criteria: Ambry Variant Classification Scheme 2023. Collection method: clinical testing. Allele origin: germline.
Comment: The p.L1025F variant (also known as c.3075G>C), located in coding exon 25 of the BUB1 gene, results from a G to C substitution at nucleotide position 3075. The leucine at codon 1025 is replaced by phenylalanine, an amino acid with highly similar properties. This amino acid position is conserved. In addition, this alteration is predicted to be tolerated by in silico analysis. Since supporting evidence is limited at this time, the clinical significance of this alteration remains unclear.

NM_004336.5(BUB1):c.3075G>C (p.Leu1025Phe)

Gene: BUB1 (BUB1 mitotic checkpoint serine/threonine kinase; minus strand). Cytogenetic location: 2q13.
Variant type: single nucleotide variant.
Coding change: c.3075G>C on transcript NM_004336.5 (MANE Select); coding-DNA position 3075, G replaced by C.
Protein change: p.Leu1025Phe; replaces leucine 1025 with phenylalanine.
Molecular consequence: missense variant.
Genome position (GRCh38, 1-based): chr2:110,638,147, C>G on the plus strand (G>C on the coding strand, the complement: BUB1 is on the minus strand). VCF-style: chr2-110638147-C-G. GRCh37 (hg19) VCF-style: chr2-111395724-C-G.
Other names: c.3015G>C, p.Leu1005Phe (NM_001278616.2); c.2904G>C, p.Leu968Phe (NM_001278617.2); short protein forms L1005F, L1025F, L968F.
Identifiers: ClinVar variation 1727306 (VCV001727306.3), dbSNP rs2467963668, ClinGen allele CA348088619.